The following is an entry in ClinVar:

NM_005502.4(ABCA1):c.4698G>C (p.Lys1566Asn)

Gene: ABCA1 (ATP binding cassette subfamily A member 1; minus strand). Cytogenetic location: 9q31.1.
Variant type: single nucleotide variant.
Coding change: c.4698G>C on transcript NM_005502.4 (MANE Select); coding-DNA position 4698, G replaced by C.
Protein change: p.Lys1566Asn; replaces lysine 1566 with asparagine.
Molecular consequence: missense variant.
Genome position (GRCh38, 1-based): chr9:104,802,054, C>G on the plus strand (G>C on the coding strand, the complement: ABCA1 is on the minus strand). VCF-style: chr9-104802054-C-G. GRCh37 (hg19) VCF-style: chr9-107564335-C-G.
Other names: c.4698G>C (NM_005502.3); short protein forms K1566N.
Identifiers: ClinVar variation 3004141 (VCV003004141.3), dbSNP rs749383560, ClinGen allele CA5168060.

ClinVar aggregate classification (germline): Uncertain significance. Review status: criteria provided, multiple submitters, no conflicts (2 of 4 stars). 2 submissions from 2 submitters: Uncertain significance (2). Last evaluated 2026-05-27.

Conditions:
Cardiovascular phenotype. Identifiers: MedGen CN230736.

Allele frequency attached by ClinVar (database versions not stated): ExAC 0.00002.
gnomAD v4.1: 9 of 1,613,912 alleles (0.00056%); highest among the groups gnomAD compares: African/African-American, 0.0013%; no homozygotes.

Submissions (2):

Ambry Genetics
Classification: Uncertain significance for Cardiovascular phenotype. Last evaluated: 2026-05-27. Review status: criteria provided, single submitter. Criteria: Ambry Variant Classification Scheme 2023. Collection method: clinical testing. Allele origin: germline.
Comment: The p.K1566N variant (also known as c.4698G>C), located in coding exon 33 of the ABCA1 gene, results from a G to C substitution at nucleotide position 4698. The amino acid change results in lysine to asparagine at codon 1566, an amino acid with similar properties. However, this change occurs in the last base pair of coding exon 33, which makes it likely to have some effect on normal mRNA splicing. This nucleotide position is well conserved in available vertebrate species. This amino acid position is not well conserved in available vertebrate species. In silico splice site analysis predicts that this alteration will weaken the native splice donor site and will result in the creation or strengthening of a novel splice donor site. In addition, as a missense substitution this is predicted to be tolerated by in silico analysis. Based on the available evidence, the clinical significance of this variant remains unclear.

Labcorp Genetics (formerly Invitae), Labcorp
Classification: Uncertain significance. Last evaluated: 2026-01-22. Review status: criteria provided, single submitter. Criteria: Invitae Variant Classification Sherloc (09022015). Collection method: clinical testing. Allele origin: germline.
Comment: This sequence change replaces lysine, which is basic and polar, with asparagine, which is neutral and polar, at codon 1566 of the ABCA1 protein (p.Lys1566Asn). This variant also falls at the last nucleotide of exon 34, which is part of the consensus splice site for this exon. This variant is present in population databases (rs749383560, gnomAD 0.007%). This variant has not been reported in the literature in individuals affected with ABCA1-related conditions. ClinVar contains an entry for this variant (Variation ID: 3004141). Invitae Evidence Modeling of protein sequence and biophysical properties (such as structural, functional, and spatial information, amino acid conservation, physicochemical variation, residue mobility, and thermodynamic stability) indicates that this missense variant is not expected to disrupt ABCA1 protein function with a negative predictive value of 95%. Variants that disrupt the consensus splice site are a relatively common cause of aberrant splicing (PMID: 17576681, 9536098). Algorithms developed to predict the effect of sequence changes on RNA splicing suggest that this variant may disrupt the consensus splice site. In summary, the available evidence is currently insufficient to determine the role of this variant in disease. Therefore, it has been classified as a Variant of Uncertain Significance.

Literature cited by the submitters: PubMed 17576681 (cited by Labcorp Genetics (formerly Invitae), Labcorp); PubMed 9536098 (cited by Labcorp Genetics (formerly Invitae), Labcorp).